The following is an entry in ClinVar:

ClinVar aggregate classification (germline): Likely benign. Review status: criteria provided, multiple submitters, no conflicts (2 of 4 stars). 3 submissions from 3 submitters: Likely benign (2). 1 of the submissions does not count toward it. Last evaluated 2024-10-29.

Conditions:
POLR1A-related disorder. Also called: POLR1A-related condition.

Allele frequency attached by ClinVar (database versions not stated): ExAC 0.00005; gnomAD 0.00005; gnomAD exomes 0.00006 and 0.00016; TOPMed 0.00007; ESP Exome Variant Server 0.00008.
gnomAD v4.1: 231 of 1,614,086 alleles (0.014%); highest among the groups gnomAD compares: Non-Finnish European, 0.017%; no homozygotes.

Submissions (3):

Labcorp Genetics (formerly Invitae), Labcorp
Classification: Likely benign. Last evaluated: 2024-10-29. Review status: criteria provided, single submitter. Criteria: Invitae Variant Classification Sherloc (09022015). Collection method: clinical testing. Allele origin: germline.

Blueprint Genetics
Classification: Likely benign. Last evaluated: 2023-05-19. Review status: criteria provided, single submitter. Criteria: ACMG Guidelines, 2015. Collection method: clinical testing. Allele origin: germline.

PreventionGenetics, part of Exact Sciences
Classification: Likely benign for POLR1A-related condition. Last evaluated: 2023-02-10. Review status: no assertion criteria provided. Collection method: clinical testing. Allele origin: germline. Not counted in ClinVar's aggregate classification.
Comment: This variant is classified as likely benign based on ACMG/AMP sequence variant interpretation guidelines (Richards et al. 2015 PMID: 25741868, with internal and published modifications).

NM_015425.6(POLR1A):c.1761C>T (p.Ala587=)

Genes: POLR1A (RNA polymerase I subunit A; minus strand), LOC126806264 (MED14-independent group 3 enhancer GRCh37_chr2:86296595-86297794; plus strand). Cytogenetic location: 2p11.2.
Variant type: single nucleotide variant.
Coding change: c.1761C>T on transcript NM_015425.6 (MANE Select); coding-DNA position 1761, C replaced by T.
Protein change: p.Ala587=; no amino-acid change (alanine 587 retained).
Molecular consequence: synonymous variant.
Genome position (GRCh38, 1-based): chr2:86,070,123, G>A on the plus strand (C>T on the coding strand, the complement: POLR1A is on the minus strand). VCF-style: chr2-86070123-G-A. GRCh37 (hg19) VCF-style: chr2-86297246-G-A.
Other names: c.1761C>T (NM_015425.4).
Identifiers: ClinVar variation 1572332 (VCV001572332.11), dbSNP rs374930476, ClinGen allele CA1746251.
Genomic context (GRCh38, chr2:86,070,123, plus strand): 5'-CTCGGCCCGGCCCAGCTCACTCTGGGGGAAATGGGCATTCATCTCGTCTCCATCAAAGTC[G>A]GCATTATAGGCCTTGCAGTTGGCATAGTGGAGCCGCAGCACTTTCTCTTCAGGCAGGATG-3'
Protein context (NP_056240.2, residues 577-597): LHYANCKAYN[Ala587=]DFDGDEMNAH